The following is an entry in ClinVar:

ClinVar aggregate classification (germline): Uncertain significance. Review status: criteria provided, multiple submitters, no conflicts (2 of 4 stars). 2 submissions from 2 submitters: Uncertain significance (2). Last evaluated 2025-09-24.

Conditions:
Hereditary cancer-predisposing syndrome. Also called: Neoplastic Syndromes, Hereditary; Hereditary neoplastic syndrome; Tumor predisposition; Hereditary Cancer Syndrome. Identifiers: Orphanet 140162, MedGen C0027672, MeSH D009386, MONDO:0015356.
Familial meningioma. Also called: Meningioma, familial, susceptibility to. Identifiers: Orphanet 263662, MedGen C3551915, MONDO:0011789, OMIM 607174.

Allele frequency attached by ClinVar (database versions not stated): gnomAD exomes below 0.00001.
gnomAD v4.1: 1 of 1,612,328 alleles (0.000062%); highest among the groups gnomAD compares: Non-Finnish European, 0.000085%; no homozygotes.

Submissions (2):

Labcorp Genetics (formerly Invitae), Labcorp
Classification: Uncertain significance for Familial meningioma. Last evaluated: 2025-09-24. Review status: criteria provided, single submitter. Criteria: Invitae Variant Classification Sherloc (09022015). Collection method: clinical testing. Allele origin: germline.
Comment: This sequence change replaces glutamic acid, which is acidic and polar, with glutamine, which is neutral and polar, at codon 111 of the SMARCE1 protein (p.Glu111Gln). This variant is not present in population databases (gnomAD no frequency). This variant has not been reported in the literature in individuals affected with SMARCE1-related conditions. ClinVar contains an entry for this variant (Variation ID: 239492). Invitae Evidence Modeling of protein sequence and biophysical properties (such as structural, functional, and spatial information, amino acid conservation, physicochemical variation, residue mobility, and thermodynamic stability) indicates that this missense variant is not expected to disrupt SMARCE1 protein function with a negative predictive value of 80%. In summary, the available evidence is currently insufficient to determine the role of this variant in disease. Therefore, it has been classified as a Variant of Uncertain Significance.

Ambry Genetics
Classification: Uncertain significance for Hereditary cancer-predisposing syndrome. Last evaluated: 2024-09-19. Review status: criteria provided, single submitter. Criteria: Ambry Variant Classification Scheme 2023. Collection method: clinical testing. Allele origin: germline.
Comment: The p.E111Q variant (also known as c.331G>C), located in coding exon 5 of the SMARCE1 gene, results from a G to C substitution at nucleotide position 331. The glutamic acid at codon 111 is replaced by glutamine, an amino acid with highly similar properties. This amino acid position is highly conserved in available vertebrate species. In addition, this alteration is predicted to be deleterious by in silico analysis. Based on the available evidence, the clinical significance of this variant remains unclear.

NM_003079.5(SMARCE1):c.331G>C (p.Glu111Gln)

Gene: SMARCE1 (SWI/SNF related BAF chromatin remodeling complex subunit E1; minus strand). Cytogenetic location: 17q21.2.
Variant type: single nucleotide variant.
Coding change: c.331G>C on transcript NM_003079.5 (MANE Select); coding-DNA position 331, G replaced by C.
Protein change: p.Glu111Gln; replaces glutamic acid 111 with glutamine.
Molecular consequence: missense variant.
Genome position (GRCh38, 1-based): chr17:40,636,433, C>G on the plus strand (G>C on the coding strand, the complement: SMARCE1 is on the minus strand). VCF-style: chr17-40636433-C-G. GRCh37 (hg19) VCF-style: chr17-38792685-C-G.
Other names: short protein forms E111Q.
Identifiers: ClinVar variation 239492 (VCV000239492.14), dbSNP rs878854601, ClinGen allele CA10583542.